The following is an entry in ClinVar:

ClinVar aggregate classification (germline): Uncertain significance (1 of 4 stars; one submission).

Allele frequency attached by ClinVar (database versions not stated): ExAC 0.00007.
gnomAD v4.1: 17 of 1,610,798 alleles (0.0011%); highest among the groups gnomAD compares: East Asian, 0.027%; no homozygotes.

Submission:

Labcorp Genetics (formerly Invitae), Labcorp
Classification: Uncertain significance. Last evaluated: 2022-05-13. Review status: criteria provided, single submitter. Criteria: Invitae Variant Classification Sherloc (09022015). Collection method: clinical testing. Allele origin: germline.
Comment: This sequence change replaces glycine, which is neutral and non-polar, with arginine, which is basic and polar, at codon 1952 of the MPDZ protein (p.Gly1952Arg). This variant is present in population databases (rs779048168, gnomAD 0.03%). This variant has not been reported in the literature in individuals affected with MPDZ-related conditions. Algorithms developed to predict the effect of missense changes on protein structure and function are either unavailable or do not agree on the potential impact of this missense change (SIFT: "Deleterious"; PolyPhen-2: "Probably Damaging"; Align-GVGD: "Class C15"). In summary, the available evidence is currently insufficient to determine the role of this variant in disease. Therefore, it has been classified as a Variant of Uncertain Significance.

NM_001378778.1(MPDZ):c.5941G>C (p.Gly1981Arg)

Gene: MPDZ (multiple PDZ domain crumbs cell polarity complex component; minus strand). Cytogenetic location: 9p23.
Variant type: single nucleotide variant.
Coding change: c.5941G>C on transcript NM_001378778.1 (MANE Select); coding-DNA position 5941, G replaced by C.
Protein change: p.Gly1981Arg; replaces glycine 1981 with arginine.
Molecular consequence: missense variant.
Genome position (GRCh38, 1-based): chr9:13,109,953, C>G on the plus strand (G>C on the coding strand, the complement: MPDZ is on the minus strand). VCF-style: chr9-13109953-C-G. GRCh37 (hg19) VCF-style: chr9-13109952-C-G.
Other names: c.5842G>C, p.Gly1948Arg (NM_001261406.2, NM_001375416.1, NM_001375417.1 and 1 more transcripts); c.5755G>C, p.Gly1919Arg (NM_001261407.2, NM_001375419.1); c.5941G>C, p.Gly1981Arg (NM_001330637.2); c.6040G>C, p.Gly2014Arg (NM_001375413.1); c.5731G>C, p.Gly1911Arg (NM_001375420.1, NM_001375421.1, NM_001375422.1 and 2 more transcripts); c.5644G>C, p.Gly1882Arg (NM_001375425.1, NM_001375426.1); c.5533G>C, p.Gly1845Arg (NM_001375427.1); c.5854G>C, p.Gly1952Arg (NM_003829.5); short protein forms G1911R, G1919R, G1952R, G2014R, G1882R, G1948R, G1845R, G1981R.
Identifiers: ClinVar variation 1915951 (VCV001915951.5), dbSNP rs779048168, ClinGen allele CA4986044.